The following is an entry in ClinVar:

ClinVar aggregate classification (germline): Uncertain significance (1 of 4 stars; one submission).

Conditions:
Inborn genetic diseases. Identifiers: MedGen C0950123, MeSH D030342.

Allele frequency attached by ClinVar (database versions not stated): gnomAD exomes below 0.00001.
gnomAD v4.1: 2 of 1,614,212 alleles (0.00012%); highest among the groups gnomAD compares: South Asian, 0.0011%; no homozygotes.

Submission:

Ambry Genetics
Classification: Uncertain significance for Inborn genetic diseases. Last evaluated: 2019-11-06. Review status: criteria provided, single submitter. Criteria: Ambry Variant Classification Scheme 2023. Collection method: clinical testing. Allele origin: germline.
Comment: The p.K2281R variant (also known as c.6842A>G), located in coding exon 37 of the SPG11 gene, results from an A to G substitution at nucleotide position 6842. The lysine at codon 2281 is replaced by arginine, an amino acid with highly similar properties. This amino acid position is highly conserved in available vertebrate species. In addition, the in silico prediction for this alteration is inconclusive. Since supporting evidence is limited at this time, the clinical significance of this alteration remains unclear.

NM_025137.4(SPG11):c.6842A>G (p.Lys2281Arg)

Gene: SPG11 (SPG11 vesicle trafficking associated, spatacsin; minus strand). Cytogenetic location: 15q21.1.
Variant type: single nucleotide variant.
Coding change: c.6842A>G on transcript NM_025137.4 (MANE Select); coding-DNA position 6842, A replaced by G.
Protein change: p.Lys2281Arg; replaces lysine 2281 with arginine.
Molecular consequence: missense variant.
Genome position (GRCh38, 1-based): chr15:44,566,218, T>C on the plus strand (A>G on the coding strand, the complement: SPG11 is on the minus strand). VCF-style: chr15-44566218-T-C. GRCh37 (hg19) VCF-style: chr15-44858416-T-C.
Other names: c.6503A>G, p.Lys2168Arg (NM_001160227.2); c.6698A>G, p.Lys2233Arg (NM_001411132.1); short protein forms K2168R, K2233R, K2281R.
Identifiers: ClinVar variation 1755745 (VCV001755745.2), dbSNP rs1276380825, ClinGen allele CA392213566.